The following is an entry in ClinVar:

ClinVar aggregate classification (germline): Uncertain significance (1 of 4 stars; one submission).

Conditions:
Hereditary cancer-predisposing syndrome. Also called: Hereditary neoplastic syndrome; Neoplastic Syndromes, Hereditary; Tumor predisposition; Hereditary Cancer Syndrome. Identifiers: Orphanet 140162, MedGen C0027672, MeSH D009386, MONDO:0015356.

Allele frequency attached by ClinVar (database versions not stated): gnomAD exomes below 0.00001.
gnomAD v4.1: 1 of 1,613,728 alleles (0.000062%); highest among the groups gnomAD compares: Non-Finnish European, 0.000085%; no homozygotes.

Submission:

Labcorp Genetics (formerly Invitae), Labcorp
Classification: Uncertain significance for Hereditary cancer-predisposing syndrome. Last evaluated: 2020-03-31. Review status: criteria provided, single submitter. Criteria: Invitae Variant Classification Sherloc (09022015). Collection method: clinical testing. Allele origin: germline.
Comment: In summary, the available evidence is currently insufficient to determine the role of this variant in disease. Therefore, it has been classified as a Variant of Uncertain Significance. Algorithms developed to predict the effect of missense changes on protein structure and function are either unavailable or do not agree on the potential impact of this missense change (SIFT: "Deleterious"; PolyPhen-2: "Probably Damaging"; Align-GVGD: "Class C0"). This variant has not been reported in the literature in individuals with RAD50-related conditions. This variant is not present in population databases (ExAC no frequency). This sequence change replaces isoleucine with threonine at codon 1253 of the RAD50 protein (p.Ile1253Thr). The isoleucine residue is moderately conserved and there is a moderate physicochemical difference between isoleucine and threonine.

NM_005732.4(RAD50):c.3758T>C (p.Ile1253Thr)

Genes: TH2-LCR (Th2 cytokine locus control region; plus strand), RAD50 (RAD50 double strand break repair protein; plus strand), TH2LCRR (T helper type 2 locus control region associated RNA; minus strand). Cytogenetic location: 5q31.1.
Variant type: single nucleotide variant.
Coding change: c.3758T>C on transcript NM_005732.4 (MANE Select); coding-DNA position 3758, T replaced by C.
Protein change: p.Ile1253Thr; replaces isoleucine 1253 with threonine.
Molecular consequence: missense variant.
Genome position (GRCh38, 1-based): chr5:132,642,183, T>C. VCF-style: chr5-132642183-T-C. GRCh37 (hg19) VCF-style: chr5-131977875-T-C.
Other names: short protein forms I1253T.
Identifiers: ClinVar variation 837052 (VCV000837052.10), dbSNP rs1751736996, ClinGen allele CA360935537.
Genomic context (GRCh38, chr5:132,642,183, plus strand): 5'-TCAAAGAAGGGGTTATGCTCTTTACTAATAATATGTTCTGAATATATTGTTGCAGGATAA[T>C]AAAAAGTCGCTCACAGCAGCGTAACTTCCAGCTTCTGGTAATCACTCATGATGAAGATTT-3'
Protein context (NP_005723.2, residues 1243-1263): ESLAHALVEI[Ile1253Thr]KSRSQQRNFQ